The following is an entry in ClinVar:

ClinVar aggregate classification (germline): Uncertain significance (1 of 4 stars; one submission).

Submission:

GeneDx
Classification: Uncertain significance. Last evaluated: 2024-02-05. Review status: criteria provided, single submitter. Criteria: GeneDx Variant Classification Process June 2021. Collection method: clinical testing. Allele origin: germline. Affected: yes.
Comment: Not observed at significant frequency in large population cohorts (gnomAD); In silico analysis supports that this missense variant has a deleterious effect on protein structure/function; Has not been previously published as pathogenic or benign to our knowledge

NM_001080432.3(FTO):c.86C>T (p.Pro29Leu)

Gene: FTO (FTO alpha-ketoglutarate dependent dioxygenase; plus strand). Cytogenetic location: 16q12.2.
Variant type: single nucleotide variant.
Coding change: c.86C>T on transcript NM_001080432.3 (MANE Select); coding-DNA position 86, C replaced by T.
Protein change: p.Pro29Leu; replaces proline 29 with leucine.
Molecular consequence: missense variant. On other transcripts: 5 prime UTR variant (1), non-coding transcript variant (1), intron variant (1).
Genome position (GRCh38, 1-based): chr16:53,810,180, C>T. VCF-style: chr16-53810180-C-T. GRCh37 (hg19) VCF-style: chr16-53844092-C-T.
Other names: c.86C>T, p.Pro29Leu (NM_001363891.2, NM_001363894.2, NM_001363896.2 and 9 more transcripts); c.-607C>T (NM_001363905.2); c.46-15684C>T (NM_001363897.2); short protein forms P29L.
Identifiers: ClinVar variation 3368595 (VCV003368595.1).